The following is an entry in ClinVar:

ClinVar aggregate classification (germline): Conflicting classifications of pathogenicity. Review status: criteria provided, conflicting classifications (1 of 4 stars). 4 submissions from 4 submitters: Uncertain significance (1); Benign (3). Last evaluated 2026-02-02.

Conditions:
Cardiac arrhythmia. Also called: Cardiac rhythm disease; Arrhythmia. Identifiers: MedGen C0003811, MONDO:0007263, HP:0011675.
Long QT syndrome (LQTS). Identifiers: MedGen C0023976, MeSH D008133, MONDO:0002442. Disease mechanism: loss of function. Inheritance: Various modes of inheritance.

Allele frequency attached by ClinVar (database versions not stated): 1000 Genomes Project 30x 0.02811; gnomAD exomes 0.00223 and 0.00586; ExAC 0.00717; TOPMed 0.02552; ESP Exome Variant Server 0.02760; 1000 Genomes Project 0.02796; gnomAD 0.02198 and 0.02360.
gnomAD v4.1: 6,754 of 1,610,910 alleles (0.42%); highest among the groups gnomAD compares: African/African-American, 7.8%; 286 homozygotes.

Submissions (4):

Labcorp Genetics (formerly Invitae), Labcorp
Classification: Benign for Long QT syndrome. Last evaluated: 2026-02-02. Review status: criteria provided, single submitter. Criteria: Invitae Variant Classification Sherloc (09022015). Collection method: clinical testing. Allele origin: germline.

ARUP Laboratories, Molecular Genetics and Genomics, ARUP Laboratories
Classification: Benign. Last evaluated: 2023-11-29. Review status: criteria provided, single submitter. Criteria: ARUP Molecular Germline Variant Investigation Process 2024. Collection method: clinical testing. Allele origin: germline.

GeneDx
Classification: Benign. Last evaluated: 2015-03-03. Review status: criteria provided, single submitter. Criteria: GeneDx Variant Classification Process June 2021. Collection method: clinical testing. Allele origin: germline. Affected: yes.

Women's Health and Genetics/Laboratory Corporation of America, LabCorp
Classification: Uncertain significance for Arrhythmia. Last evaluated: 2011-08-18. Review status: criteria provided, single submitter. Criteria: LabCorp Variant Classification Summary - May 2015. Collection method: curation. Allele origin: germline. Inheritance: autosomal unknown. Affected: yes.
ClinVar note: Converted during submission from uncertain to Uncertain significance.

NM_001148.6(ANK2):c.3796+18G>A

Gene: ANK2 (ankyrin 2; plus strand). Cytogenetic location: 4q26.
Variant type: single nucleotide variant.
Coding change: c.3796+18G>A on transcript NM_001148.6 (MANE Select); 18 bases into the intron after coding-DNA position 3796, G replaced by A.
Molecular consequence: intron variant.
Genome position (GRCh38, 1-based): chr4:113,336,799, G>A. VCF-style: chr4-113336799-G-A. GRCh37 (hg19) VCF-style: chr4-114257955-G-A.
Other names: c.3781+18G>A (NM_001386186.2, NM_001386148.2); c.3583+18G>A (NM_001354269.3); c.3661+18G>A (NM_001386187.2); c.3655+18G>A (NM_001386147.1, NM_001354261.2); c.3640+18G>A (NM_001386160.1); c.3745+18G>A (NM_001354254.2); c.3766+18G>A (NM_001354239.2, NM_001354252.2); c.3667+18G>A (NM_001354272.2); and 31 more.
Identifiers: ClinVar variation 35687 (VCV000035687.16), dbSNP rs66792339, ClinGen allele CA213525.